The following is an entry in ClinVar:

NC_000017.11:g.13016942_13016943insGAAAACATTTAAACAGGATAACATGAACAGAACAAGCAACCTTTAACCTAAGAATGA

Gene: ELAC2 (elaC ribonuclease Z 2; minus strand). Cytogenetic location: 17p12.
Variant type: Insertion.
Genome position: GRCh38: chr17:13,016,942-13,016,943. GRCh37 (hg19): chr17:12,920,259-12,920,260.
Identifiers: ClinVar variation 2115817 (VCV002115817.5), ClinGen allele CA2580092572.

ClinVar aggregate classification (germline): Uncertain significance (1 of 4 stars; one submission).

Conditions:
Combined oxidative phosphorylation defect type 17. Also called: Combined oxidative phosphorylation deficiency 17. Identifiers: Orphanet 369913, MedGen C3809526, MONDO:0014190, OMIM 615440.

Submission:

Labcorp Genetics (formerly Invitae), Labcorp
Classification: Uncertain significance for Combined oxidative phosphorylation defect type 17. Last evaluated: 2022-08-22. Review status: criteria provided, single submitter. Criteria: Invitae Variant Classification Sherloc (09022015). Collection method: clinical testing. Allele origin: germline.
Comment: In summary, the available evidence is currently insufficient to determine the role of this variant in disease. Therefore, it has been classified as a Variant of Uncertain Significance. Algorithms developed to predict the effect of sequence changes on RNA splicing suggest that this variant may disrupt the consensus splice site. Experimental studies and prediction algorithms are not available or were not evaluated, and the functional significance of this variant is currently unknown. This variant has not been reported in the literature in individuals affected with ELAC2-related conditions. This variant is not present in population databases (gnomAD no frequency). This variant, c.309_310ins57, results in the insertion of 19 amino acid(s) of the ELAC2 protein (p.Ala103_Arg104ins19), but otherwise preserves the integrity of the reading frame.